The following is an entry in ClinVar:

NM_005245.4(FAT1):c.3832G>A (p.Asp1278Asn)

Gene: FAT1 (FAT atypical cadherin 1; minus strand). Cytogenetic location: 4q35.2.
Variant type: single nucleotide variant.
Coding change: c.3832G>A on transcript NM_005245.4 (MANE Select); coding-DNA position 3832, G replaced by A.
Protein change: p.Asp1278Asn; replaces aspartic acid 1278 with asparagine.
Molecular consequence: missense variant.
Genome position (GRCh38, 1-based): chr4:186,636,725, C>T on the plus strand (G>A on the coding strand, the complement: FAT1 is on the minus strand). VCF-style: chr4-186636725-C-T. GRCh37 (hg19) VCF-style: chr4-187557879-C-T.
Other names: short protein forms D1278N.
Identifiers: ClinVar variation 2900822 (VCV002900822.3), dbSNP rs767041778, ClinGen allele CA3166891.
Genomic context (GRCh38, chr4:186,636,725, plus strand): 5'-CATGCTCATTCCCGTCTTCGATGCTGTAGGAGATTTCTGCATTGGGGCCCTCATCCTTGT[C>T]GGTGGCTATGACGTGATAGAGCGGCTCCCGTCTGGCATTTCTTTCTCGGTCTGGCTTTTC-3'
Protein context (NP_005236.2, residues 1268-1288): REPLYHVIAT[Asp1278Asn]KDEGPNAEIS

ClinVar aggregate classification (germline): Uncertain significance (1 of 4 stars; one submission).

Allele frequency attached by ClinVar (database versions not stated): gnomAD 0.00001; ExAC 0.00002.
gnomAD v4.1: 12 of 1,613,682 alleles (0.00074%); highest among the groups gnomAD compares: Non-Finnish European, 0.00093%; no homozygotes.

Submission:

Labcorp Genetics (formerly Invitae), Labcorp
Classification: Uncertain significance. Last evaluated: 2024-01-15. Review status: criteria provided, single submitter. Criteria: Invitae Variant Classification Sherloc (09022015). Collection method: clinical testing. Allele origin: germline.
Comment: This sequence change replaces aspartic acid, which is acidic and polar, with asparagine, which is neutral and polar, at codon 1278 of the FAT1 protein (p.Asp1278Asn). This variant is present in population databases (rs767041778, gnomAD 0.004%). This variant has not been reported in the literature in individuals affected with FAT1-related conditions. Advanced modeling of protein sequence and biophysical properties (such as structural, functional, and spatial information, amino acid conservation, physicochemical variation, residue mobility, and thermodynamic stability) has been performed at Invitae for this missense variant, however the output from this modeling did not meet the statistical confidence thresholds required to predict the impact of this variant on FAT1 protein function. In summary, the available evidence is currently insufficient to determine the role of this variant in disease. Therefore, it has been classified as a Variant of Uncertain Significance.